The following is an entry in ClinVar:

NM_001129.5(AEBP1):c.197T>G (p.Val66Gly)

Gene: AEBP1 (AE binding protein 1; plus strand). Cytogenetic location: 7p13.
Variant type: single nucleotide variant.
Coding change: c.197T>G on transcript NM_001129.5 (MANE Select); coding-DNA position 197, T replaced by G.
Protein change: p.Val66Gly; replaces valine 66 with glycine.
Molecular consequence: missense variant.
Genome position (GRCh38, 1-based): chr7:44,104,862, T>G. VCF-style: chr7-44104862-T-G. GRCh37 (hg19) VCF-style: chr7-44144461-T-G.
Other names: short protein forms V66G.
Identifiers: ClinVar variation 1937659 (VCV001937659.2), dbSNP rs559299616, ClinGen allele CA4237429.

ClinVar aggregate classification (germline): Uncertain significance (1 of 4 stars; one submission).

Allele frequency attached by ClinVar (database versions not stated): ExAC 0.00012; TOPMed 0.00018; gnomAD 0.00019; 1000 Genomes Project 30x 0.00031; 1000 Genomes Project 0.00040.
gnomAD v4.1: 42 of 1,571,054 alleles (0.0027%); highest among the groups gnomAD compares: African/African-American, 0.052%; no homozygotes.

Submission:

Labcorp Genetics (formerly Invitae), Labcorp
Classification: Uncertain significance. Last evaluated: 2022-06-26. Review status: criteria provided, single submitter. Criteria: Invitae Variant Classification Sherloc (09022015). Collection method: clinical testing. Allele origin: germline.
Comment: This sequence change replaces valine, which is neutral and non-polar, with glycine, which is neutral and non-polar, at codon 66 of the AEBP1 protein (p.Val66Gly). This variant is present in population databases (rs559299616, gnomAD 0.07%). This variant has not been reported in the literature in individuals affected with AEBP1-related conditions. Algorithms developed to predict the effect of missense changes on protein structure and function output the following: SIFT: "Tolerated"; PolyPhen-2: "Not Available"; Align-GVGD: "Class C0". The glycine amino acid residue is found in multiple mammalian species, which suggests that this missense change does not adversely affect protein function. In summary, the available evidence is currently insufficient to determine the role of this variant in disease. Therefore, it has been classified as a Variant of Uncertain Significance.